The following is an entry in ClinVar:

ClinVar aggregate classification (germline): Uncertain significance (1 of 4 stars; one submission).

Submission:

CeGaT Center for Human Genetics Tuebingen
Classification: Uncertain significance. Last evaluated: 2024-11-01. Review status: criteria provided, single submitter. Criteria: CeGaT Center For Human Genetics Tuebingen Variant Classification Criteria Version 2. Collection method: clinical testing. Allele origin: germline. Affected: yes. Observed: 1 variant allele.
Comment: LRBA: PM2

NM_001364905.1(LRBA):c.2785A>G (p.Lys929Glu)

Gene: LRBA (LPS responsive beige-like anchor protein; minus strand). Cytogenetic location: 4q31.3.
Variant type: single nucleotide variant.
Coding change: c.2785A>G on transcript NM_001364905.1 (MANE Select); coding-DNA position 2785, A replaced by G.
Protein change: p.Lys929Glu; replaces lysine 929 with glutamic acid.
Molecular consequence: missense variant.
Genome position (GRCh38, 1-based): chr4:150,852,925, T>C on the plus strand (A>G on the coding strand, the complement: LRBA is on the minus strand). VCF-style: chr4-150852925-T-C. GRCh37 (hg19) VCF-style: chr4-151774077-T-C.
Other names: c.2785A>G, p.Lys929Glu (NM_001199282.3, NM_001367550.1, NM_006726.5); short protein forms K929E.
Identifiers: ClinVar variation 3389516 (VCV003389516.14).